The following is an entry in ClinVar:

NM_206933.4(USH2A):c.6293A>G (p.Tyr2098Cys)

Gene: USH2A (usherin; minus strand). Cytogenetic location: 1q41.
Variant type: single nucleotide variant.
Coding change: c.6293A>G on transcript NM_206933.4 (MANE Select); coding-DNA position 6293, A replaced by G.
Protein change: p.Tyr2098Cys; replaces tyrosine 2098 with cysteine.
Molecular consequence: missense variant.
Genome position (GRCh38, 1-based): chr1:216,046,463, T>C on the plus strand (A>G on the coding strand, the complement: USH2A is on the minus strand). VCF-style: chr1-216046463-T-C. GRCh37 (hg19) VCF-style: chr1-216219805-T-C.
Other names: short protein forms Y2098C.
Identifiers: ClinVar variation 1023141 (VCV001023141.8), dbSNP rs2030525490, ClinGen allele CA344858693.
Genomic context (GRCh38, chr1:216,046,463, plus strand): 5'-AATTCGCTGATAACTCTAGAGGTCTTACCTGTGACTATGTAGTTCTCCTCACTGCCTGAA[T>C]AGATCAGCCTCCCATCCATGTATAAACAGTACTGAGTTATAATACCATTTGCCTTTTTGG-3'
Protein context (NP_996816.3, residues 2088-2108): YCLYMDGRLI[Tyr2098Cys]SGSEENYIVT

ClinVar aggregate classification (germline): Uncertain significance. Review status: criteria provided, multiple submitters, no conflicts (2 of 4 stars). 2 submissions from 2 submitters: Uncertain significance (2). Last evaluated 2025-06-23.

Submissions (2):

Labcorp Genetics (formerly Invitae), Labcorp
Classification: Uncertain significance. Last evaluated: 2025-06-23. Review status: criteria provided, single submitter. Criteria: Invitae Variant Classification Sherloc (09022015). Collection method: clinical testing. Allele origin: germline.
Comment: This sequence change replaces tyrosine, which is neutral and polar, with cysteine, which is neutral and slightly polar, at codon 2098 of the USH2A protein (p.Tyr2098Cys). This variant is not present in population databases (gnomAD no frequency). This missense change has been observed in individual(s) with retinitis pigmentosa (internal data). In at least one individual the data is consistent with being in trans (on the opposite chromosome) from a pathogenic variant. ClinVar contains an entry for this variant (Variation ID: 1023141). An algorithm developed to predict the effect of missense changes on protein structure and function outputs the following: PolyPhen-2: "Probably Damaging". The cysteine amino acid residue is found in multiple mammalian species, which suggests that this missense change does not adversely affect protein function. In summary, the available evidence is currently insufficient to determine the role of this variant in disease. Therefore, it has been classified as a Variant of Uncertain Significance.

Blueprint Genetics
Classification: Uncertain significance. Last evaluated: 2021-12-01. Review status: criteria provided, single submitter. Criteria: ACMG Guidelines, 2015. Collection method: clinical testing. Allele origin: germline.